The following is an entry in ClinVar:

NM_001130987.2(DYSF):c.889-68G>A

Gene: DYSF (dysferlin; plus strand). Cytogenetic location: 2p13.2.
Variant type: single nucleotide variant.
Coding change: c.889-68G>A on transcript NM_001130987.2 (MANE Select); 68 bases into the intron before coding-DNA position 889, G replaced by A.
Molecular consequence: intron variant.
Genome position (GRCh38, 1-based): chr2:71,516,112, G>A. VCF-style: chr2-71516112-G-A. GRCh37 (hg19) VCF-style: chr2-71743242-G-A.
Other names: c.886-68G>A (NM_001130979.2, NM_001130981.2, NM_001130980.2); c.793-68G>A (NM_001130978.2, NM_003494.4, NM_001130977.2 and 1 more transcripts); c.889-68G>A (NM_001130982.2, NM_001130985.2); c.796-68G>A (NM_001130983.2, NM_001130455.2, NM_001130984.2 and 1 more transcripts).
Identifiers: ClinVar variation 672452 (VCV000672452.5), dbSNP rs28500662, ClinGen allele CA49760942.

ClinVar aggregate classification (germline): Benign. Review status: criteria provided, multiple submitters, no conflicts (2 of 4 stars). 3 submissions from 3 submitters: Benign (3). Last evaluated 2021-06-10.

Conditions:
Miyoshi muscular dystrophy 1 (MMD1). Identifiers: Orphanet 45448, MedGen C4551973, MONDO:0024545, OMIM 254130.

Allele frequency attached by ClinVar (database versions not stated): 1000 Genomes Project 0.01917; 1000 Genomes Project 30x 0.01952; TOPMed 0.02938; ESP Exome Variant Server 0.03241; gnomAD 0.03261 and 0.03282; gnomAD exomes 0.04217.
gnomAD v4.1: 61,281 of 1,491,824 alleles (4.1%); highest among the groups gnomAD compares: Middle Eastern, 5.7%; 1,438 homozygotes.

Submissions (3):

Genome-Nilou Lab
Classification: Benign for Miyoshi muscular dystrophy 1. Last evaluated: 2021-06-10. Review status: criteria provided, single submitter. Criteria: ACMG Guidelines, 2015. Collection method: clinical testing. Allele origin: germline. Affected: no.

GeneDx
Classification: Benign. Last evaluated: 2018-06-19. Review status: criteria provided, single submitter. Criteria: GeneDx Variant Classification (06012015). Collection method: clinical testing. Allele origin: germline. Affected: yes.
Comment: This variant is considered likely benign or benign based on one or more of the following criteria: it is a conservative change, it occurs at a poorly conserved position in the protein, it is predicted to be benign by multiple in silico algorithms, and/or has population frequency not consistent with disease.

Breakthrough Genomics
Classification: Benign. Review status: criteria provided, single submitter. Criteria: ACMG Guidelines, 2015. Collection method: not provided. Allele origin: germline. Inheritance: Autosomal recessive inheritance. Affected: yes.